The following is an entry in ClinVar:

NM_006904.7(PRKDC):c.7762-16A>G

Gene: PRKDC (protein kinase, DNA-activated, catalytic subunit; minus strand). Cytogenetic location: 8q11.21.
Variant type: single nucleotide variant.
Coding change: c.7762-16A>G on transcript NM_006904.7 (MANE Select); 16 bases into the intron before coding-DNA position 7762, A replaced by G.
Molecular consequence: intron variant.
Genome position (GRCh38, 1-based): chr8:47,836,543, T>C on the plus strand (A>G on the coding strand, the complement: PRKDC is on the minus strand). VCF-style: chr8-47836543-T-C. GRCh37 (hg19) VCF-style: chr8-48749104-T-C.
Other names: c.7762-16A>G (NM_001081640.2).
Identifiers: ClinVar variation 2100915 (VCV002100915.4), dbSNP rs373611993, ClinGen allele CA4740023.
Genomic context (GRCh38, chr8:47,836,543, plus strand): 5'-GAGAACAGTACTTCGGAAACGCCAATCAGAATCAATGGTATATTCCTGTACATAAGAAAG[T>C]TTCAAATGAAATAAAGTTTCAAATGAAATAATGCTCCTTTTTTAGGAACACTGATATATT-3'

ClinVar aggregate classification (germline): Uncertain significance (1 of 4 stars; one submission).

Conditions:
Severe combined immunodeficiency due to DNA-PKcs deficiency. Also called: Immunodeficiency 26 with or without neurologic abnormalities; IMMUNODEFICIENCY 26 WITH NEUROLOGIC ABNORMALITIES. Identifiers: Orphanet 317425, MedGen C4014833, MONDO:0014423, OMIM 615966.

Allele frequency attached by ClinVar (database versions not stated): gnomAD exomes below 0.00001; ExAC 0.00003; ESP Exome Variant Server 0.00008.
gnomAD v4.1: 4 of 1,560,204 alleles (0.00026%); highest among the groups gnomAD compares: Non-Finnish European, 0.00035%; no homozygotes.

Submission:

Labcorp Genetics (formerly Invitae), Labcorp
Classification: Uncertain significance for Severe combined immunodeficiency due to DNA-PKcs deficiency. Last evaluated: 2022-08-22. Review status: criteria provided, single submitter. Criteria: Invitae Variant Classification Sherloc (09022015). Collection method: clinical testing. Allele origin: germline.
Comment: In summary, the available evidence is currently insufficient to determine the role of this variant in disease. Therefore, it has been classified as a Variant of Uncertain Significance. Algorithms developed to predict the effect of sequence changes on RNA splicing suggest that this variant may create or strengthen a splice site. This variant has not been reported in the literature in individuals affected with PRKDC-related conditions. The frequency data for this variant in the population databases is considered unreliable, as metrics indicate poor data quality at this position in the gnomAD database. This sequence change falls in intron 57 of the PRKDC gene. It does not directly change the encoded amino acid sequence of the PRKDC protein.